The following is an entry in ClinVar:

NM_001371279.1(REEP1):c.208dup (p.Ile70fs)

Gene: REEP1 (receptor accessory protein 1; minus strand). Cytogenetic location: 2p11.2.
Variant type: Duplication.
Coding change: c.208dup on transcript NM_001371279.1 (MANE Select); coding-DNA position 208, one base duplicated (A; older notation c.208dupA).
Protein change: p.Ile70fs; shifts the reading frame from isoleucine 70.
Molecular consequence: frameshift variant. On other transcripts: intron variant (1).
Genome position (GRCh38, 1-based): chr2:86,254,789, T duplicated on the plus strand (A on the coding strand, the reverse complement: REEP1 is on the minus strand); the first of 5 consecutive T bases (chr2:86,254,789-86,254,793); duplicating any one gives the same sequence. VCF-style (leftmost placement, unchanged base first): chr2-86254788-A-AT. GRCh37 (hg19) VCF-style: chr2-86481911-A-AT.
Other names: c.229dup, p.Ile77fs (NM_001164730.2); c.127dup, p.Ile43fs (NM_001164731.2); c.208dup, p.Ile70fs (NM_001371280.1, NM_001410855.1, NM_001410856.1 and 1 more transcripts); c.182+9176dup (NM_001164732.2); short protein forms I43fs, I70fs, I77fs.
Identifiers: ClinVar variation 3723170 (VCV003723170.2).

ClinVar aggregate classification (germline): Pathogenic (1 of 4 stars; one submission).

Conditions:
Hereditary spastic paraplegia 31. Also called: SPASTIC PARAPLEGIA 31, AUTOSOMAL DOMINANT. Identifiers: Orphanet 101011, MedGen C1853247, MONDO:0012453, OMIM 610250.

Submission:

Labcorp Genetics (formerly Invitae), Labcorp
Classification: Pathogenic for Hereditary spastic paraplegia 31. Last evaluated: 2024-10-17. Review status: criteria provided, single submitter. Criteria: Invitae Variant Classification Sherloc (09022015). Collection method: clinical testing. Allele origin: germline.
Comment: This sequence change creates a premature translational stop signal (p.Ile70Asnfs*36) in the REEP1 gene. It is expected to result in an absent or disrupted protein product. Loss-of-function variants in REEP1 are known to be pathogenic (PMID: 18321925, 18644145, 32655478). This variant is not present in population databases (gnomAD no frequency). This variant has not been reported in the literature in individuals affected with REEP1-related conditions. For these reasons, this variant has been classified as Pathogenic.

Literature cited by the submitters: PubMed 18321925; PubMed 18644145; PubMed 32655478.